The following is an entry in ClinVar:

NM_002661.5(PLCG2):c.2660A>C (p.Glu887Ala)

Gene: PLCG2 (phospholipase C gamma 2; plus strand). Cytogenetic location: 16q23.3.
Variant type: single nucleotide variant.
Coding change: c.2660A>C on transcript NM_002661.5 (MANE Select); coding-DNA position 2660, A replaced by C.
Protein change: p.Glu887Ala; replaces glutamic acid 887 with alanine.
Molecular consequence: missense variant.
Genome position (GRCh38, 1-based): chr16:81,931,575, A>C. VCF-style: chr16-81931575-A-C. GRCh37 (hg19) VCF-style: chr16-81965180-A-C.
Other names: p.Glu887Ala; short protein forms E887A.
Identifiers: ClinVar variation 540098 (VCV000540098.10), dbSNP rs369092713, ClinGen allele CA8194391.

ClinVar aggregate classification (germline): Conflicting classifications of pathogenicity. Review status: criteria provided, conflicting classifications (1 of 4 stars). 4 submissions from 4 submitters: Uncertain significance (2); Likely benign (1). 1 of the submissions does not count toward it. Last evaluated 2026-04-27.

Conditions:
PLCG2-related disorder. Also called: PLCG2-related condition.
Familial cold autoinflammatory syndrome 3 (FCAS3). Also called: ANTIBODY DEFICIENCY AND IMMUNE DYSREGULATION, PLCG2-ASSOCIATED; FAMILIAL ATYPICAL COLD URTICARIA. Identifiers: Orphanet 300359, MedGen C3280914, MONDO:0013766, OMIM 614468.

Allele frequency attached by ClinVar (database versions not stated): gnomAD exomes 0.00015 and 0.00034; TOPMed 0.00015; ESP Exome Variant Server 0.00016; ExAC 0.00017; gnomAD 0.00017 and 0.00019.
gnomAD v4.1: 532 of 1,613,848 alleles (0.033%); highest among the groups gnomAD compares: Non-Finnish European, 0.043%; no homozygotes.

Submissions (4):

Women's Health and Genetics/Laboratory Corporation of America, LabCorp
Classification: Likely benign. Last evaluated: 2026-04-27. Review status: criteria provided, single submitter. Criteria: LabCorp Variant Classification Summary - May 2015. Collection method: clinical testing. Allele origin: germline.
Comment: Variant summary: PLCG2 c.2660A>C (p.Glu887Ala) results in a non-conservative amino acid change in the encoded protein sequence. Algorithms developed to predict the effect of missense changes on protein structure and function are either unavailable or do not agree on the potential impact of this missense change. The variant allele was found at a frequency of 0.00015 in 249492 control chromosomes, predominantly at a frequency of 0.00034 within the Non-Finnish European subpopulation in the gnomAD database. The observed variant frequency within Non-Finnish European control individuals in the gnomAD database exceeds the estimated maximal expected allele frequency for disease-causing variants in PLCG2. To our knowledge, no occurrence of c.2660A>C in individuals affected with PLCG2-related conditions and no experimental evidence demonstrating its impact on protein function have been reported. ClinVar contains an entry for this variant (Variation ID: 540098). Based on the evidence outlined above, the variant was classified as likely benign.

Labcorp Genetics (formerly Invitae), Labcorp
Classification: Uncertain significance for Familial cold autoinflammatory syndrome 3. Last evaluated: 2026-01-14. Review status: criteria provided, single submitter. Criteria: Invitae Variant Classification Sherloc (09022015). Collection method: clinical testing. Allele origin: germline.
Comment: This sequence change replaces glutamic acid, which is acidic and polar, with alanine, which is neutral and non-polar, at codon 887 of the PLCG2 protein (p.Glu887Ala). This variant is present in population databases (rs369092713, gnomAD 0.03%), and has an allele count higher than expected for a pathogenic variant. This variant has not been reported in the literature in individuals affected with PLCG2-related conditions. ClinVar contains an entry for this variant (Variation ID: 540098). An algorithm developed to predict the effect of missense changes on protein structure and function (PolyPhen-2) suggests that this variant is likely to be tolerated. In summary, the available evidence is currently insufficient to determine the role of this variant in disease. Therefore, it has been classified as a Variant of Uncertain Significance.

Mayo Clinic Laboratories, Mayo Clinic
Classification: Uncertain significance. Last evaluated: 2024-06-13. Review status: criteria provided, single submitter. Criteria: ACMG Guidelines, 2015. Collection method: clinical testing. Allele origin: germline. Observed: 1 variant allele.
Comment: BP4

PreventionGenetics, part of Exact Sciences
Classification: Uncertain significance for PLCG2-related condition. Last evaluated: 2024-02-14. Review status: no assertion criteria provided. Collection method: clinical testing. Allele origin: germline. Not counted in ClinVar's aggregate classification.
Comment: The PLCG2 c.2660A>C variant is predicted to result in the amino acid substitution p.Glu887Ala. To our knowledge, this variant has not been reported in the literature. This variant is reported in 0.031% of alleles in individuals of European (Non-Finnish) descent in gnomAD, which is likely too common for an undocumented disease-causing variant. Although we suspect that this variant may be benign, at this time, the clinical significance of this variant is uncertain due to the absence of conclusive functional and genetic evidence.